The following is an entry in ClinVar:

NM_004006.3(DMD):c.357+1G>T

Gene: DMD (dystrophin; minus strand). Cytogenetic location: Xp21.1.
Variant type: single nucleotide variant.
Coding change: c.357+1G>T on transcript NM_004006.3 (MANE Select); the canonical splice donor site of the intron after coding-DNA position 357, G replaced by T.
Molecular consequence: splice donor variant.
Genome position (GRCh38, 1-based): chrX:32,823,294, C>A on the plus strand (G>T on the coding strand, the complement: DMD is on the minus strand). VCF-style: chrX-32823294-C-A. GRCh37 (hg19) VCF-style: chrX-32841411-C-A.
Other names: c.333+1G>T (NM_000109.4); c.345+1G>T (NM_004009.3); c.-13+1G>T (NM_004010.3).
Identifiers: ClinVar variation 1732788 (VCV001732788.4), dbSNP rs1557058294, ClinGen allele CA412674404.

ClinVar aggregate classification (germline): Pathogenic. Review status: criteria provided, multiple submitters, no conflicts (2 of 4 stars). 2 submissions from 2 submitters: Pathogenic (2). Last evaluated 2024-08-20.

Conditions:
Cardiovascular phenotype. Identifiers: MedGen CN230736.
Duchenne muscular dystrophy (DMD). Also called: MUSCULAR DYSTROPHY, PSEUDOHYPERTROPHIC PROGRESSIVE, DUCHENNE TYPE; Duchenne Muscular Dystrophy (DMD). Identifiers: Orphanet 98896, MedGen C0013264, MONDO:0010679, OMIM 310200.

Submissions (2):

Labcorp Genetics (formerly Invitae), Labcorp
Classification: Pathogenic for Duchenne muscular dystrophy. Last evaluated: 2024-08-20. Review status: criteria provided, single submitter. Criteria: Invitae Variant Classification Sherloc (09022015). Collection method: clinical testing. Allele origin: germline.
Comment: This sequence change affects a donor splice site in intron 5 of the DMD gene. It is expected to disrupt RNA splicing. Variants that disrupt the donor or acceptor splice site typically lead to a loss of protein function (PMID: 16199547), and loss-of-function variants in DMD are known to be pathogenic (PMID: 16770791, 25007885). This variant is not present in population databases (gnomAD no frequency). Disruption of this splice site has been observed in individuals with DMD-related conditions (PMID: 12359139, 17041906). ClinVar contains an entry for this variant (Variation ID: 1732788). Algorithms developed to predict the effect of sequence changes on RNA splicing suggest that this variant may disrupt the consensus splice site. For these reasons, this variant has been classified as Pathogenic.

Ambry Genetics
Classification: Pathogenic for Cardiovascular phenotype. Last evaluated: 2019-04-12. Review status: criteria provided, single submitter. Criteria: Ambry Variant Classification Scheme 2023. Collection method: clinical testing. Allele origin: germline.
Comment: The c.357+1G>T intronic pathogenic mutation results from a G to T substitution one nucleotide after coding exon 5 of the DMD gene. This mutation was detected in a Becker muscular dystrophy (BMD) patient, as well as in a young dilated cardiomyopathy case; however clinical details were limited (Feng J et al. Mol. Genet. Metab., 2002 Sep-Oct;77:119-26; de Almeida PAD et al. Clin. Genet., 2017 Aug;92:199-203). An alternate nucleotide substitution at this position, c.357+1G>C was detected in a familial BMD case whose RNA results showed two abnormal transcripts, including one with skipping of exon 5 and another with the use of a cryptic downstream donor site (Deburgrave N et al. Hum. Mutat., 2007 Feb;28:183-95). Alterations that disrupt the canonical splice site are expected to cause aberrant splicing, resulting in an abnormal protein or a transcript that is subject to nonsense-mediated mRNA decay. As such, this alteration is classified as a disease-causing mutation.

Literature cited by the submitters: PubMed 16199547 (cited by Labcorp Genetics (formerly Invitae), Labcorp); PubMed 16770791 (cited by Labcorp Genetics (formerly Invitae), Labcorp); PubMed 25007885 (cited by Labcorp Genetics (formerly Invitae), Labcorp); PubMed 12359139 (cited by Labcorp Genetics (formerly Invitae), Labcorp and Ambry Genetics); PubMed 17041906 (cited by Labcorp Genetics (formerly Invitae), Labcorp and Ambry Genetics); PubMed 28116794 (cited by Ambry Genetics).